The following is an entry in ClinVar:

ClinVar aggregate classification (germline): Uncertain significance (1 of 4 stars; one submission).

Submission:

Greenwood Genetic Center Diagnostic Laboratories, Greenwood Genetic Center
Classification: Uncertain significance. Last evaluated: 2021-12-31. Review status: criteria provided, single submitter. Criteria: ACMG Guidelines, 2015. Collection method: clinical testing. Allele origin: germline. Affected: yes.
Comment: PM2

NM_015559.3(SETBP1):c.4078A>G (p.Thr1360Ala)

Gene: SETBP1 (SET binding protein 1; plus strand). Cytogenetic location: 18q12.3.
Variant type: single nucleotide variant.
Coding change: c.4078A>G on transcript NM_015559.3 (MANE Select); coding-DNA position 4078, A replaced by G.
Protein change: p.Thr1360Ala; replaces threonine 1360 with alanine.
Molecular consequence: missense variant.
Genome position (GRCh38, 1-based): chr18:45,038,562, A>G. VCF-style: chr18-45038562-A-G. GRCh37 (hg19) VCF-style: chr18-42618527-A-G.
Other names: c.4078A>G, p.Thr1360Ala (NM_001379141.1, NM_001379142.1); short protein forms T1360A.
Identifiers: ClinVar variation 1334724 (VCV001334724.4), dbSNP rs2145495174, ClinGen allele CA402482473.
Genomic context (GRCh38, chr18:45,038,562, plus strand): 5'-TTAAAAGTGGACCAGACAGCAGTGCATAGTAAGAACGAAGGCTCAGTGCCCACCATGATG[A>G]CCAGGAAGAAGCCAGCCGCAGTTGACAGTGTTACAATTCCACCAGCCCCAGTGTTATCTC-3'
Protein context (NP_056374.2, residues 1350-1370): KNEGSVPTMM[Thr1360Ala]RKKPAAVDSV